The following is an entry in ClinVar:

NM_018646.6(TRPV6):c.249G>A (p.Arg83=)

Gene: TRPV6 (transient receptor potential cation channel subfamily V member 6; minus strand). Cytogenetic location: 7q34.
Variant type: single nucleotide variant.
Coding change: c.249G>A on transcript NM_018646.6 (MANE Select); coding-DNA position 249, G replaced by A.
Protein change: p.Arg83=; no amino-acid change (arginine 83 retained).
Molecular consequence: synonymous variant.
Genome position (GRCh38, 1-based): chr7:142,878,026, C>T on the plus strand (G>A on the coding strand, the complement: TRPV6 is on the minus strand). VCF-style: chr7-142878026-C-T. GRCh37 (hg19) VCF-style: chr7-142575779-C-T.
Other names: c.249G>A (NM_018646.5).
Identifiers: ClinVar variation 3614411 (VCV003614411.3).

ClinVar aggregate classification (germline): Uncertain significance. Review status: criteria provided, multiple submitters, no conflicts (2 of 4 stars). 2 submissions from 2 submitters: Uncertain significance (2). Last evaluated 2026-01-20.

Conditions:
TRPV6-related disorder. Also called: TRPV6-related condition.

gnomAD v4.1: 7 of 1,613,518 alleles (0.00043%); highest among the groups gnomAD compares: Admixed American, 0.0017%; no homozygotes.

Submissions (2):

PreventionGenetics, part of Exact Sciences
Classification: Uncertain significance for TRPV6-related condition. Last evaluated: 2026-01-20. Review status: criteria provided, single submitter. Criteria: ACMG Guidelines, 2015. Collection method: clinical testing. Allele origin: germline.
Comment: The TRPV6 c.249G>A variant is not predicted to result in an amino acid change (p.=). This variant is predicted to alter splicing based on an available splicing prediction program (SpliceAI, Jaganathan et al. 2019. PubMed ID: 30661751). However, the use of computer prediction programs is not equivalent to functional evidence. To our knowledge, this variant has not been reported in the literature. This variant is reported in 0.0033% of alleles in individuals of South Asian descent in gnomAD. At this time, the clinical significance of this variant is uncertain due to the absence of conclusive functional and genetic evidence.

Labcorp Genetics (formerly Invitae), Labcorp
Classification: Uncertain significance. Last evaluated: 2024-10-30. Review status: criteria provided, single submitter. Criteria: Invitae Variant Classification Sherloc (09022015). Collection method: clinical testing. Allele origin: germline.
Comment: This sequence change affects codon 83 of the TRPV6 mRNA. It is a 'silent' change, meaning that it does not change the encoded amino acid sequence of the TRPV6 protein. It affects a nucleotide within the consensus splice site. This variant is present in population databases (rs764881703, gnomAD 0.003%). This variant has not been reported in the literature in individuals affected with TRPV6-related conditions. Algorithms developed to predict the effect of sequence changes on RNA splicing suggest that this variant may disrupt the consensus splice site. In summary, the available evidence is currently insufficient to determine the role of this variant in disease. Therefore, it has been classified as a Variant of Uncertain Significance.